The following is an entry in ClinVar:

ClinVar aggregate classification (germline): Uncertain significance (1 of 4 stars; one submission).

Submission:

GeneDx
Classification: Uncertain significance. Last evaluated: 2025-04-24. Review status: criteria provided, single submitter. Criteria: GeneDx Variant Classification Process June 2021. Collection method: clinical testing. Allele origin: germline. Affected: yes.
Comment: Not observed at significant frequency in large population cohorts (gnomAD); In silico analysis supports that this missense variant has a deleterious effect on protein structure/function; Has not been previously published as pathogenic or benign to our knowledge

NM_001197104.2(KMT2A):c.5746G>A (p.Asp1916Asn)

Gene: KMT2A (lysine methyltransferase 2A; plus strand). Cytogenetic location: 11q23.3.
Variant type: single nucleotide variant.
Coding change: c.5746G>A on transcript NM_001197104.2 (MANE Select); coding-DNA position 5746, G replaced by A.
Protein change: p.Asp1916Asn; replaces aspartic acid 1916 with asparagine.
Molecular consequence: missense variant.
Genome position (GRCh38, 1-based): chr11:118,498,017, G>A. VCF-style: chr11-118498017-G-A. GRCh37 (hg19) VCF-style: chr11-118368732-G-A.
Other names: c.5836G>A, p.Asp1946Asn (NM_001412597.1); c.5737G>A, p.Asp1913Asn (NM_005933.4); short protein forms D1913N, D1916N, D1946N.
Identifiers: ClinVar variation 4527098 (VCV004527098.1).